The following is an entry in ClinVar:

NM_015450.3(POT1):c.1370-4A>G

Gene: POT1 (protection of telomeres 1; minus strand). Cytogenetic location: 7q31.33.
Variant type: single nucleotide variant.
Coding change: c.1370-4A>G on transcript NM_015450.3 (MANE Select); 4 bases into the intron before coding-DNA position 1370, A replaced by G.
Molecular consequence: intron variant.
Genome position (GRCh38, 1-based): chr7:124,835,418, T>C on the plus strand (A>G on the coding strand, the complement: POT1 is on the minus strand). VCF-style: chr7-124835418-T-C. GRCh37 (hg19) VCF-style: chr7-124475472-T-C.
Other names: c.1370-4A>G (NM_015450.2); c.977-4A>G (NM_001042594.2).
Identifiers: ClinVar variation 2995318 (VCV002995318.5), dbSNP rs1009755145, ClinGen allele CA166100768.

ClinVar aggregate classification (germline): Uncertain significance. Review status: criteria provided, multiple submitters, no conflicts (2 of 4 stars). 2 submissions from 2 submitters: Uncertain significance (2). Last evaluated 2026-01-04.

Conditions:
Tumor predisposition syndrome 3 (TPDS3). Also called: Melanoma, cutaneous malignant, susceptibility to, 10; Glioma susceptibility 9; LONG TELOMERE SYNDROME, POT1-RELATED; POT1 Tumor Predisposition. Identifiers: Orphanet 618, MedGen C4014476, MONDO:0014368, OMIM 615848.
Hereditary cancer-predisposing syndrome. Also called: Neoplastic Syndromes, Hereditary; Hereditary Cancer Syndrome; Hereditary neoplastic syndrome; Tumor predisposition. Identifiers: Orphanet 140162, MedGen C0027672, MeSH D009386, MONDO:0015356.

Allele frequency attached by ClinVar (database versions not stated): TOPMed below 0.00001.

Submissions (2):

Labcorp Genetics (formerly Invitae), Labcorp
Classification: Uncertain significance for Tumor predisposition syndrome 3. Last evaluated: 2026-01-04. Review status: criteria provided, single submitter. Criteria: Invitae Variant Classification Sherloc (09022015). Collection method: clinical testing. Allele origin: germline.
Comment: This sequence change falls in intron 14 of the POT1 gene. It does not directly change the encoded amino acid sequence of the POT1 protein. This variant is not present in population databases (gnomAD no frequency). This variant has not been reported in the literature in individuals affected with POT1-related conditions. ClinVar contains an entry for this variant (Variation ID: 2995318). Studies have shown that this variant is associated with inconclusive levels of altered splicing (internal data). In summary, the available evidence is currently insufficient to determine the role of this variant in disease. Therefore, it has been classified as a Variant of Uncertain Significance.

Ambry Genetics
Classification: Uncertain significance for Hereditary cancer-predisposing syndrome. Last evaluated: 2025-04-16. Review status: criteria provided, single submitter. Criteria: Ambry Variant Classification Scheme 2023. Collection method: clinical testing. Allele origin: germline.
Comment: The c.1370-4A>G intronic variant results from an A to G substitution 4 nucleotides upstream from coding exon 11 in the POT1 gene. This nucleotide position is highly conserved in available vertebrate species. In silico splice site analysis predicts that this alteration may weaken the native splice acceptor site. RNA studies have demonstrated that this alteration results in a transcript predicted to lead to a protein with an in-frame insertion of 1 amino acid(s); however, the exact functional impact of the inserted amino acid(s) is unknown at this time (Ambry internal data). Based on the available evidence, the clinical significance of this variant remains unclear.